The following is an entry in ClinVar:

NM_001365951.3(KIF1B):c.1774G>A (p.Glu592Lys)

Gene: KIF1B (kinesin family member 1B; plus strand). Cytogenetic location: 1p36.22.
Variant type: single nucleotide variant.
Coding change: c.1774G>A on transcript NM_001365951.3 (MANE Select); coding-DNA position 1774, G replaced by A.
Protein change: p.Glu592Lys; replaces glutamic acid 592 with lysine.
Molecular consequence: missense variant.
Genome position (GRCh38, 1-based): chr1:10,295,763, G>A. VCF-style: chr1-10295763-G-A. GRCh37 (hg19) VCF-style: chr1-10355821-G-A.
Other names: c.1774G>A, p.Glu592Lys (NM_001365952.1); c.1636G>A, p.Glu546Lys (NM_001365953.1, NM_015074.3, NM_183416.4); short protein forms E546K, E592K.
Identifiers: ClinVar variation 1776940 (VCV001776940.2), dbSNP rs1244845760, ClinGen allele CA338315250.
Genomic context (GRCh38, chr1:10,295,763, plus strand): 5'-AGCGGGGCTCACATTAAAGAAGAGCATTGTATCTTCCGGAGTGAGAGAAGCAACAGCGGG[G>A]AAGGTGAGCATTCCTGGCTGGAGCTTCAGCAACAACATTTTCATTTTATATTATGAGAAA-3'
Protein context (NP_001352880.1, residues 582-602): IFRSERSNSG[Glu592Lys]VIVTLEPCER

ClinVar aggregate classification (germline): Uncertain significance (1 of 4 stars; one submission).

Allele frequency attached by ClinVar (database versions not stated): gnomAD exomes below 0.00001.
gnomAD v4.1: 2 of 1,612,440 alleles (0.00012%); highest among the groups gnomAD compares: Non-Finnish European, 0.00017%; no homozygotes.

Submission:

Ambry Genetics
Classification: Uncertain significance. Last evaluated: 2022-03-23. Review status: criteria provided, single submitter. Criteria: Ambry Variant Classification Scheme 2023. Collection method: clinical testing. Allele origin: germline.
Comment: The p.E546K variant (also known as c.1636G>A), located in coding exon 16 of the KIF1B gene, results from a G to A substitution at nucleotide position 1636. The glutamic acid at codon 546 is replaced by lysine, an amino acid with similar properties. This amino acid position is not well conserved in available vertebrate species. In addition, this alteration is predicted to be tolerated by in silico analysis. Since supporting evidence is limited at this time, the clinical significance of this alteration remains unclear.